The following is an entry in ClinVar:

ClinVar aggregate classification (germline): Uncertain significance (1 of 4 stars; one submission).

Conditions:
Bloom syndrome (BLM). Also called: Bloom-Torre-Machacek syndrome. Identifiers: Orphanet 125, MedGen C0005859, MONDO:0008876, OMIM 210900.

Submission:

Labcorp Genetics (formerly Invitae), Labcorp
Classification: Uncertain significance for Bloom syndrome. Last evaluated: 2021-11-12. Review status: criteria provided, single submitter. Criteria: Invitae Variant Classification Sherloc (09022015). Collection method: clinical testing. Allele origin: germline.
Comment: A copy number gain of the genomic region encompassing the full coding sequence of the BLM gene has been identified. The boundaries of this event are unknown as they extend beyond the assayed region for this gene and therefore may encompass additional genes. As the precise location of this event is unknown, it may be in tandem or it may be located elsewhere in the genome. This variant has not been reported in the literature in individuals affected with BLM-related conditions. In summary, the available evidence is currently insufficient to determine the role of this variant in disease. Therefore, it has been classified as a Variant of Uncertain Significance.

NC_000015.9:g.(?_91290623)_(91512067_?)dup

Genes: RCCD1 (RCC1 domain containing 1; plus strand), FURIN (furin, paired basic amino acid cleaving enzyme; plus strand), UNC45A (unc-45 myosin chaperone A; plus strand), FES (FES proto-oncogene, tyrosine kinase; plus strand), MAN2A2 (mannosidase alpha class 2A member 2; plus strand) and 3 more. Cytogenetic location: 15q26.1.
Variant type: Duplication.
Identifiers: ClinVar variation 1027033 (VCV001027033.2).